The following is an entry in ClinVar:

NM_002769.5(PRSS1):c.71T>C (p.Ile24Thr)

Genes: TRB (T cell receptor beta locus; plus strand), PRSS1 (serine protease 1; plus strand). Cytogenetic location: 7q34.
Variant type: single nucleotide variant.
Coding change: c.71T>C on transcript NM_002769.5 (MANE Select); coding-DNA position 71, T replaced by C.
Protein change: p.Ile24Thr; replaces isoleucine 24 with threonine.
Molecular consequence: missense variant. On other transcripts: non-coding transcript variant (2).
Genome position (GRCh38, 1-based): chr7:142,750,585, T>C. VCF-style: chr7-142750585-T-C. GRCh37 (hg19) VCF-style: chr7-142458436-T-C.
Other names: short protein forms I24T.
Identifiers: ClinVar variation 4560675 (VCV004560675.1).

ClinVar aggregate classification (germline): Uncertain significance (1 of 4 stars; one submission).

Conditions:
Hereditary pancreatitis (PCTT). Also called: Hereditary chronic pancreatitis; PRSS1-Related Hereditary Pancreatitis. Identifiers: Orphanet 676, MedGen C0238339, MONDO:0008185, OMIM 167800.

Submission:

Ambry Genetics
Classification: Uncertain significance for Hereditary pancreatitis. Last evaluated: 2025-10-29. Review status: criteria provided, single submitter. Criteria: Ambry Variant Classification Scheme 2023. Collection method: clinical testing. Allele origin: germline.
Comment: The p.I24T variant (also known as c.71T>C), located in coding exon 2 of the PRSS1 gene, results from a T to C substitution at nucleotide position 71. The isoleucine at codon 24 is replaced by threonine, an amino acid with similar properties. This amino acid position is conserved. In addition, this alteration is predicted to be deleterious by in silico analysis. Based on the available evidence, the clinical significance of this variant remains unclear.